The following is an entry in ClinVar:

ClinVar aggregate classification (germline): Uncertain significance (1 of 4 stars; one submission).

Conditions:
Inborn genetic diseases. Identifiers: MedGen C0950123, MeSH D030342.

gnomAD v4.1: 3 of 1,614,198 alleles (0.00019%); highest among the groups gnomAD compares: Non-Finnish European, 0.00025%; no homozygotes.

Submission:

Ambry Genetics
Classification: Uncertain significance for Inborn genetic diseases. Last evaluated: 2026-04-19. Review status: criteria provided, single submitter. Criteria: Ambry Variant Classification Scheme 2023. Collection method: clinical testing. Allele origin: germline.
Comment: The p.A450V variant (also known as c.1349C>T), located in coding exon 8 of the MECOM gene, results from a C to T substitution at nucleotide position 1349. The alanine at codon 450 is replaced by valine, an amino acid with similar properties. This amino acid position is conserved. In addition, this alteration is predicted to be tolerated by in silico analysis. Based on the available evidence, the clinical significance of this variant remains unclear.

NM_004991.4(MECOM):c.1349C>T (p.Ala450Val)

Gene: MECOM (MDS1 and EVI1 complex locus; minus strand). Cytogenetic location: 3q26.2.
Variant type: single nucleotide variant.
Coding change: c.1349C>T on transcript NM_004991.4 (MANE Select); coding-DNA position 1349, C replaced by T.
Protein change: p.Ala450Val; replaces alanine 450 with valine.
Molecular consequence: missense variant. On other transcripts: intron variant (2).
Genome position (GRCh38, 1-based): chr3:169,116,523, G>A on the plus strand (C>T on the coding strand, the complement: MECOM is on the minus strand). VCF-style: chr3-169116523-G-A. GRCh37 (hg19) VCF-style: chr3-168834311-G-A.
Other names: c.788C>T, p.Ala263Val (NM_001366468.2, NM_001366470.2, NM_001163999.2 and 1 more transcripts); c.785C>T, p.Ala262Val (NM_001366469.2, NM_001366471.2, NM_001366472.2 and 4 more transcripts); c.1133-756C>T (NM_001366473.2); c.569-756C>T (NM_001366474.2); c.980C>T, p.Ala327Val (NM_001105077.4); c.1349C>T, p.Ala450Val (NM_001366466.2); short protein forms A262V, A263V, A327V, A450V.
Identifiers: ClinVar variation 4859742 (VCV004859742.1).
Genomic context (GRCh38, chr3:169,116,523, plus strand): 5'-AAATAGTCAGCAAGGCCCGGGTTGGCATGACTCATATTAACCATGGACGTTTTATCCATA[G>A]CTGGGGTTCCAGGAAGTGAAATGCCTTGGCCAAAAAATCCACCTGCCGCAAAATGGTTCT-3'
Protein context (NP_004982.2, residues 440-460): GQGISLPGTP[Ala450Val]MDKTSMVNMS